The following is an entry in ClinVar:

NM_138425.4(C12orf57):c.318T>G (p.Phe106Leu)

Gene: C12orf57 (chromosome 12 open reading frame 57; plus strand). Cytogenetic location: 12p13.31.
Variant type: single nucleotide variant.
Coding change: c.318T>G on transcript NM_138425.4 (MANE Select); coding-DNA position 318, T replaced by G.
Protein change: p.Phe106Leu; replaces phenylalanine 106 with leucine.
Molecular consequence: missense variant. On other transcripts: non-coding transcript variant (1).
Genome position (GRCh38, 1-based): chr12:6,945,859, T>G. VCF-style: chr12-6945859-T-G. GRCh37 (hg19) VCF-style: chr12-7055022-T-G.
Other names: c.318T>G, p.Phe106Leu (NM_001301834.1); c.279T>G, p.Phe93Leu (NM_001301836.2); c.231T>G, p.Phe77Leu (NM_001301837.2); c.213T>G, p.Phe71Leu (NM_001301838.2); short protein forms F106L, F71L, F77L, F93L.
Identifiers: ClinVar variation 1681842 (VCV001681842.8), dbSNP rs1591677457, ClinGen allele CA383745979.

ClinVar aggregate classification (germline): Uncertain significance (1 of 4 stars; one submission).

Conditions:
Temtamy syndrome (TEMTYS). Also called: MENTAL RETARDATION WITH OR WITHOUT CRANIOFACIAL DYSMORPHISM, OCULAR COLOBOMA, OR ABNORMAL CORPUS CALLOSUM. Identifiers: Orphanet 1777, MedGen C1857512, MONDO:0009033, OMIM 218340.

Allele frequency attached by ClinVar (database versions not stated): TOPMed below 0.00001.

Submission:

Labcorp Genetics (formerly Invitae), Labcorp
Classification: Uncertain significance for Temtamy syndrome. Last evaluated: 2022-10-24. Review status: criteria provided, single submitter. Criteria: Invitae Variant Classification Sherloc (09022015). Collection method: clinical testing. Allele origin: germline.
Comment: This sequence change replaces phenylalanine, which is neutral and non-polar, with leucine, which is neutral and non-polar, at codon 106 of the C12orf57 protein (p.Phe106Leu). This variant is not present in population databases (gnomAD no frequency). This variant has not been reported in the literature in individuals affected with C12orf57-related conditions. ClinVar contains an entry for this variant (Variation ID: 1681842). Algorithms developed to predict the effect of missense changes on protein structure and function are either unavailable or do not agree on the potential impact of this missense change (SIFT: "Tolerated"; PolyPhen-2: "Probably Damaging"; Align-GVGD: "Class C0"). In summary, the available evidence is currently insufficient to determine the role of this variant in disease. Therefore, it has been classified as a Variant of Uncertain Significance.